The following is an entry in ClinVar:

NM_005609.4(PYGM):c.1000G>A (p.Val334Met)

Gene: PYGM (glycogen phosphorylase, muscle associated; minus strand). Cytogenetic location: 11q13.1.
Variant type: single nucleotide variant.
Coding change: c.1000G>A on transcript NM_005609.4 (MANE Select); coding-DNA position 1000, G replaced by A.
Protein change: p.Val334Met; replaces valine 334 with methionine.
Molecular consequence: missense variant.
Genome position (GRCh38, 1-based): chr11:64,754,345, C>T on the plus strand (G>A on the coding strand, the complement: PYGM is on the minus strand). VCF-style: chr11-64754345-C-T. GRCh37 (hg19) VCF-style: chr11-64521817-C-T.
Other names: c.736G>A, p.Val246Met (NM_001164716.1); short protein forms V246M, V334M.
Identifiers: ClinVar variation 1708017 (VCV001708017.4), dbSNP rs1233430644, ClinGen allele CA381177310.

ClinVar aggregate classification (germline): Uncertain significance. Review status: criteria provided, multiple submitters, no conflicts (2 of 4 stars). 2 submissions from 2 submitters: Uncertain significance (2). Last evaluated 2022-06-20.

Conditions:
Glycogen storage disease, type V (GSD5). Also called: McArdle type glycogen storage disease; MCARDLE DISEASE; MUSCLE GLYCOGEN PHOSPHORYLASE DEFICIENCY; MYOPHOSPHORYLASE DEFICIENCY; PYGM DEFICIENCY. Identifiers: Orphanet 368, MedGen C0017924, MONDO:0009293, OMIM 232600.

Allele frequency attached by ClinVar (database versions not stated): gnomAD 0.00001.
gnomAD v4.1: 3 of 1,608,904 alleles (0.00019%); highest among the groups gnomAD compares: African/African-American, 0.0027%; no homozygotes.

Submissions (2):

Labcorp Genetics (formerly Invitae), Labcorp
Classification: Uncertain significance for Glycogen storage disease, type V. Last evaluated: 2022-06-20. Review status: criteria provided, single submitter. Criteria: Invitae Variant Classification Sherloc (09022015). Collection method: clinical testing. Allele origin: germline.
Comment: This sequence change replaces valine, which is neutral and non-polar, with methionine, which is neutral and non-polar, at codon 334 of the PYGM protein (p.Val334Met). This variant is present in population databases (no rsID available, gnomAD 0.004%). This variant has not been reported in the literature in individuals affected with PYGM-related conditions. Algorithms developed to predict the effect of missense changes on protein structure and function are either unavailable or do not agree on the potential impact of this missense change (SIFT: "Not Available"; PolyPhen-2: "Probably Damaging"; Align-GVGD: "Not Available"). In summary, the available evidence is currently insufficient to determine the role of this variant in disease. Therefore, it has been classified as a Variant of Uncertain Significance.

GeneDx
Classification: Uncertain significance. Last evaluated: 2022-03-25. Review status: criteria provided, single submitter. Criteria: GeneDx Variant Classification Process June 2021. Collection method: clinical testing. Allele origin: germline. Affected: yes.
Comment: Not observed at significant frequency in large population cohorts (gnomAD); In silico analysis supports that this missense variant does not alter protein structure/function; Has not been previously published as pathogenic or benign to our knowledge